The following is an entry in ClinVar:

NM_001205293.3(CACNA1E):c.208T>C (p.Phe70Leu)

Gene: CACNA1E (calcium voltage-gated channel subunit alpha1 E; plus strand). Cytogenetic location: 1q25.3.
Variant type: single nucleotide variant.
Coding change: c.208T>C on transcript NM_001205293.3 (MANE Select); coding-DNA position 208, T replaced by C.
Protein change: p.Phe70Leu; replaces phenylalanine 70 with leucine.
Molecular consequence: missense variant.
Genome position (GRCh38, 1-based): chr1:181,483,952, T>C. VCF-style: chr1-181483952-T-C. GRCh37 (hg19) VCF-style: chr1-181453088-T-C.
Other names: c.208T>C, p.Phe70Leu (NM_000721.4, NM_001205294.2); short protein forms F70L.
Identifiers: ClinVar variation 1419761 (VCV001419761.9), dbSNP rs772298538, ClinGen allele CA1274847.
Genomic context (GRCh38, chr1:181,483,952, plus strand): 5'-ATGGCTTTGTACAACCCCATTCCCGTCCGGCAGAACTGTTTCACCGTCAACAGATCCCTG[T>C]TCATCTTCGGAGAAGATAACATTGTCAGGAAATATGCCAAGAAGCTCATCGATTGGCCAT-3'
Protein context (NP_001192222.1, residues 60-80): QNCFTVNRSL[Phe70Leu]IFGEDNIVRK

ClinVar aggregate classification (germline): Uncertain significance. Review status: criteria provided, multiple submitters, no conflicts (2 of 4 stars). 2 submissions from 2 submitters: Uncertain significance (2). Last evaluated 2023-07-10.

Allele frequency attached by ClinVar (database versions not stated): TOPMed below 0.00001; gnomAD exomes 0.00001; ExAC 0.00002.
gnomAD v4.1: 14 of 1,613,224 alleles (0.00087%); highest among the groups gnomAD compares: Non-Finnish European, 0.0011%; no homozygotes.

Submissions (2):

Labcorp Genetics (formerly Invitae), Labcorp
Classification: Uncertain significance. Last evaluated: 2023-07-10. Review status: criteria provided, single submitter. Criteria: Invitae Variant Classification Sherloc (09022015). Collection method: clinical testing. Allele origin: germline.
Comment: ClinVar contains an entry for this variant (Variation ID: 1419761). Advanced modeling of protein sequence and biophysical properties (such as structural, functional, and spatial information, amino acid conservation, physicochemical variation, residue mobility, and thermodynamic stability) has been performed at Invitae for this missense variant, however the output from this modeling did not meet the statistical confidence thresholds required to predict the impact of this variant on CACNA1E protein function. In summary, the available evidence is currently insufficient to determine the role of this variant in disease. Therefore, it has been classified as a Variant of Uncertain Significance. This variant has not been reported in the literature in individuals affected with CACNA1E-related conditions. This sequence change replaces phenylalanine, which is neutral and non-polar, with leucine, which is neutral and non-polar, at codon 70 of the CACNA1E protein (p.Phe70Leu). This variant is present in population databases (rs772298538, gnomAD 0.002%).

Blueprint Genetics
Classification: Uncertain significance. Last evaluated: 2021-09-30. Review status: criteria provided, single submitter. Criteria: ACMG Guidelines, 2015. Collection method: clinical testing. Allele origin: germline.